The following is an entry in ClinVar:

NM_000053.4(ATP7B):c.2475G>A (p.Val825=)

Gene: ATP7B (ATPase copper transporting beta; minus strand). Cytogenetic location: 13q14.3.
Variant type: single nucleotide variant.
Coding change: c.2475G>A on transcript NM_000053.4 (MANE Select); coding-DNA position 2475, G replaced by A.
Protein change: p.Val825=; no amino-acid change (valine 825 retained).
Molecular consequence: synonymous variant.
Genome position (GRCh38, 1-based): chr13:51,950,372, C>T on the plus strand (G>A on the coding strand, the complement: ATP7B is on the minus strand). VCF-style: chr13-51950372-C-T. GRCh37 (hg19) VCF-style: chr13-52524508-C-T.
Other names: c.1989G>A, p.Val663= (NM_001005918.3); c.2142G>A, p.Val714= (NM_001243182.2); c.2241G>A, p.Val747= (NM_001330578.2); c.2223G>A, p.Val741= (NM_001330579.2).
Identifiers: ClinVar variation 738268 (VCV000738268.49), dbSNP rs373528664, ClinGen allele CA6988995.

ClinVar aggregate classification (germline): Conflicting classifications of pathogenicity. Review status: criteria provided, conflicting classifications (1 of 4 stars). 7 submissions from 7 submitters: Uncertain significance (1); Likely benign (5). 1 of the submissions does not count toward it. Last evaluated 2026-01-20.

Conditions:
ATP7B-related disorder. Also called: ATP7B-related condition.
Wilson disease (WND). Also called: Wilson's disease. Identifiers: Orphanet 905, MedGen C0019202, MONDO:0010200, OMIM 277900. Disease mechanism: loss of function.

Allele frequency attached by ClinVar (database versions not stated): gnomAD exomes 0.00002 and 0.00004; ExAC 0.00005; gnomAD 0.00012 and 0.00014; TOPMed 0.00019; ESP Exome Variant Server 0.00023.
gnomAD v4.1: 54 of 1,614,178 alleles (0.0033%); highest among the groups gnomAD compares: African/African-American, 0.064%; 1 homozygote.

Submissions (7):

Labcorp Genetics (formerly Invitae), Labcorp
Classification: Likely benign for Wilson disease. Last evaluated: 2026-01-20. Review status: criteria provided, single submitter. Criteria: Invitae Variant Classification Sherloc (09022015). Collection method: clinical testing. Allele origin: germline.

PreventionGenetics, part of Exact Sciences
Classification: Likely benign for ATP7B-related condition. Last evaluated: 2025-10-20. Review status: criteria provided, single submitter. Criteria: ACMG Guidelines, 2015. Collection method: clinical testing. Allele origin: germline.
Comment: This variant is classified as likely benign based on ACMG/AMP sequence variant interpretation guidelines (Richards et al. 2015 PMID: 25741868, with internal and published modifications).

Fulgent Genetics
Classification: Uncertain significance for Wilson disease. Last evaluated: 2024-04-16. Review status: criteria provided, single submitter. Criteria: ACMG Guidelines, 2015. Collection method: clinical testing. Allele origin: germline.

All of Us Research Program, National Institutes of Health
Classification: Likely benign for Wilson disease. Last evaluated: 2024-02-05. Review status: criteria provided, single submitter. Criteria: ACMG Guidelines, 2015. Collection method: clinical testing. Allele origin: germline. Inheritance: Autosomal recessive inheritance. Observed: 12 variant alleles, 12 heterozygotes.
Comment: This study involves interpretation of variants in research participants for the purpose of population health screening. Participant phenotype was not available at the time of variant classification. Additional details can be found in publication PMID: 35346344, PMCID: PMC8962531

Color Diagnostics, LLC DBA Color Health
Classification: Likely benign for Wilson disease. Last evaluated: 2022-04-22. Review status: criteria provided, single submitter. Criteria: ACMG Guidelines, 2015. Collection method: clinical testing. Allele origin: germline.

CeGaT Center for Human Genetics Tuebingen
Classification: Likely benign. Last evaluated: 2021-03-01. Review status: criteria provided, single submitter. Criteria: CeGaT Center For Human Genetics Tuebingen Variant Classification Criteria Version 2. Collection method: clinical testing. Allele origin: germline. Affected: yes. Observed: 1 variant allele.

Natera, Inc.
Classification: Uncertain significance for Wilson disease. Last evaluated: 2020-01-24. Review status: no assertion criteria provided. Collection method: clinical testing. Allele origin: germline. Not counted in ClinVar's aggregate classification.